The following is an entry in ClinVar:

ClinVar aggregate classification (germline): Uncertain significance. Review status: criteria provided, multiple submitters, no conflicts (2 of 4 stars). 2 submissions from 2 submitters: Uncertain significance (2). Last evaluated 2026-07-17.

Conditions:
Cardiovascular phenotype. Identifiers: MedGen CN230736.

gnomAD v4.1: 2 of 1,614,002 alleles (0.00012%); highest among the groups gnomAD compares: Non-Finnish European, 0.00017%; no homozygotes.

Submissions (2):

Ambry Genetics
Classification: Uncertain significance for Cardiovascular phenotype. Last evaluated: 2026-07-17. Review status: criteria provided, single submitter. Criteria: Ambry Variant Classification Scheme 2023. Collection method: clinical testing. Allele origin: germline.
Comment: The p.A1475G variant (also known as c.4424C>G) is located in coding exon 7 of the ALPK3 gene. The alanine at codon 1475 is replaced by glycine, an amino acid with similar properties. This change occurs in the first base pair of coding exon 7. This amino acid position is conserved. In addition, this alteration is predicted to be tolerated by in silico analysis. Based on the available evidence, the clinical significance of this variant remains unclear.

Labcorp Genetics (formerly Invitae), Labcorp
Classification: Uncertain significance. Last evaluated: 2021-07-24. Review status: criteria provided, single submitter. Criteria: Invitae Variant Classification Sherloc (09022015). Collection method: clinical testing. Allele origin: germline.
Comment: In summary, the available evidence is currently insufficient to determine the role of this variant in disease. Therefore, it has been classified as a Variant of Uncertain Significance. Algorithms developed to predict the effect of missense changes on protein structure and function are either unavailable or do not agree on the potential impact of this missense change (SIFT: "Deleterious"; PolyPhen-2: "Probably Damaging"; Align-GVGD: "Class C0"). This variant has not been reported in the literature in individuals affected with ALPK3-related conditions. This variant is not present in population databases (ExAC no frequency). This sequence change replaces alanine with glycine at codon 1475 of the ALPK3 protein (p.Ala1475Gly). The alanine residue is moderately conserved and there is a small physicochemical difference between alanine and glycine.

NM_020778.5(ALPK3):c.3818C>G (p.Ala1273Gly)

Gene: ALPK3 (alpha kinase 3; plus strand). Cytogenetic location: 15q25.3.
Variant type: single nucleotide variant.
Coding change: c.3818C>G on transcript NM_020778.5 (MANE Select); coding-DNA position 3818, C replaced by G.
Protein change: p.Ala1273Gly; replaces alanine 1273 with glycine.
Molecular consequence: missense variant.
Genome position (GRCh38, 1-based): chr15:84,859,243, C>G. VCF-style: chr15-84859243-C-G. GRCh37 (hg19) VCF-style: chr15-85402474-C-G.
Other names: c.4424C>G (NM_020778.4); short protein forms A1273G.
Identifiers: ClinVar variation 1521125 (VCV001521125.9), dbSNP rs2141570151, ClinGen allele CA393361124.
Genomic context (GRCh38, chr15:84,859,243, plus strand): 5'-GAGCAAGGATATGGCCAGAGGAGAGGTGGTGTTCCCCTCTTGACTGGGCCCTGCTCTCAG[C>G]CCCACAGGTGATCCGGAAGATTCGGGTGGAGCAGTTTCCTGATGCCTCCGGTAGCCTGAA-3'
Protein context (NP_065829.4, residues 1263-1283): KPRKAKDLLK[Ala1273Gly]PQVIRKIRVE